The following is an entry in ClinVar:

ClinVar aggregate classification (germline): Likely pathogenic. Review status: criteria provided, multiple submitters, no conflicts (2 of 4 stars). 2 submissions from 2 submitters: Likely pathogenic (2). Last evaluated 2024-06-07.

Conditions:
Mucopolysaccharidosis, MPS-II (MPS2). Also called: Hunter Syndrome; IDURONATE 2-SULFATASE DEFICIENCY; Mucopolysaccharidosis Type II; Mucopolysaccharidosis type 2; Attenuated MPS (subtype; formerly known as mild MPS II); Severe MPS II. Identifiers: Orphanet 580, Orphanet 79388, MedGen C0026705, MONDO:0010674, OMIM 309900.

Submissions (2):

Laboratory of Diagnosis and Therapy of Lysosomal Disorders, University of Padova
Classification: Likely pathogenic for Mucopolysaccharidosis, MPS-II. Last evaluated: 2024-06-07. Review status: criteria provided, single submitter. Criteria: ACMG Guidelines, 2015. Collection method: literature only. Allele origin: germline. Affected: yes. Observed: 2 variant alleles.
Comment: Absent from controls (or at low frequency) in gnomAD database (PM2_Moderate), Missense variant in a gene with a low rate of benign missense variation (PP2_Supporting), Multiple lines of computational evidence support a deleterious effect (PP3_Supporting), Patient’s phenotype or family history highly specific for the disease (PP4_Moderate)

Classification method: ACMG Guidelines [PMID:25741868] with modifications

Revvity Omics, Revvity
Classification: Likely pathogenic for Mucopolysaccharidosis, MPS-II. Last evaluated: 2023-09-22. Review status: criteria provided, single submitter. Criteria: ACMG Guidelines, 2015. Collection method: clinical testing. Allele origin: germline.

Literature cited by the submitters: PubMed 35916809 (cited by Laboratory of Diagnosis and Therapy of Lysosomal Disorders, University of Padova).

NM_000202.8(IDS):c.275T>G (p.Leu92Arg)

Gene: IDS (iduronate 2-sulfatase; minus strand). Cytogenetic location: Xq28.
Variant type: single nucleotide variant.
Coding change: c.275T>G on transcript NM_000202.8 (MANE Select); coding-DNA position 275, T replaced by G.
Protein change: p.Leu92Arg; replaces leucine 92 with arginine.
Molecular consequence: missense variant. On other transcripts: non-coding transcript variant (1), intron variant (1).
Genome position (GRCh38, 1-based): chrX:149,503,455, A>C on the plus strand (T>G on the coding strand, the complement: IDS is on the minus strand). VCF-style: chrX-149503455-A-C. GRCh37 (hg19) VCF-style: chrX-148584985-A-C.
Other names: c.275T>G, p.Leu92Arg (NM_006123.5); c.15-10T>G (NM_001166550.4); short protein forms L92R.
Identifiers: ClinVar variation 3255647 (VCV003255647.3).
Genomic context (GRCh38, chrX:149,503,455, plus strand): 5'-TGCACCCTCCAGTAGGAGTTGAAGTCGTACAGGCGGGTGGTGTCAGGTCTCCTGCCAGTG[A>C]GGAAAGAAACGCGGCTCGGGGCGCACACTGCTTGCTGTTAGGGAGCAGAAGCAGAGGTAA-3'
Protein context (NP_000193.1, residues 82-102): AVCAPSRVSF[Leu92Arg]TGRRPDTTRL